The following is an entry in ClinVar:

ClinVar aggregate classification (germline): Uncertain significance (1 of 4 stars; one submission).

Conditions:
Malignant hyperthermia, susceptibility to, 1 (MHS1). Also called: Anesthesia related hyperthermia; Malignant hyperpyrexia; Fulminating hyperpyrexia; Pharmacogenic myopathy; RYR1-Related Malignant Hyperthermia Susceptibility; Malignant hyperthermia suceptibility 1. Identifiers: Orphanet 423, MedGen C2930980, MONDO:0007783, OMIM 145600.

gnomAD v4.1: 1 of 1,549,754 alleles (0.000065%); highest among the groups gnomAD compares: East Asian, 0.0024%; no homozygotes.

Submission:

All of Us Research Program, National Institutes of Health
Classification: Uncertain significance for Malignant hyperthermia, susceptibility to, 1. Last evaluated: 2023-05-31. Review status: criteria provided, single submitter. Criteria: ACMG Guidelines, 2015. Collection method: clinical testing. Allele origin: germline. Inheritance: Autosomal dominant inheritance. Observed: 1 variant allele, 1 heterozygote.
Comment: This study involves interpretation of variants in research participants for the purpose of population health screening. Participant phenotype was not available at the time of variant classification. Additional details can be found in publication PMID: 35346344, PMCID: PMC8962531

NM_000540.3(RYR1):c.9583G>A (p.Ala3195Thr)

Gene: RYR1 (ryanodine receptor 1; plus strand). Cytogenetic location: 19q13.2.
Variant type: single nucleotide variant.
Coding change: c.9583G>A on transcript NM_000540.3 (MANE Select); coding-DNA position 9583, G replaced by A.
Protein change: p.Ala3195Thr; replaces alanine 3195 with threonine.
Molecular consequence: missense variant.
Genome position (GRCh38, 1-based): chr19:38,516,115, G>A. VCF-style: chr19-38516115-G-A. GRCh37 (hg19) VCF-style: chr19-39006755-G-A.
Other names: c.9583G>A, p.Ala3195Thr (NM_001042723.2); short protein forms A3195T.
Identifiers: ClinVar variation 3071158 (VCV003071158.1), dbSNP rs1287562865, ClinGen allele CA405690101.
Genomic context (GRCh38, chr19:38,516,115, plus strand): 5'-ACGTGGCAGCTAAACACAGCCCCGTCTTCCAGGCTTCGGCCAGCCCTCGGGGAGTGCCTG[G>A]CCCGTCTGGCAGCAGCCATGCCGGTGGCGTTCCTGGAGCCGCAGCTGAACGAGTACAACG-3'
Protein context (NP_000531.2, residues 3185-3205): KLRPALGECL[Ala3195Thr]RLAAAMPVAF